The following is an entry in ClinVar:

ClinVar aggregate classification (germline): Uncertain significance. Review status: criteria provided, multiple submitters, no conflicts (2 of 4 stars). 2 submissions from 2 submitters: Uncertain significance (2). Last evaluated 2024-04-16.

Conditions:
Multiminicore myopathy. Identifiers: Orphanet 598, MedGen C0270962, MONDO:0018948.

Allele frequency attached by ClinVar (database versions not stated): gnomAD 0.00001.

Submissions (2):

Blueprint Genetics
Classification: Uncertain significance. Last evaluated: 2024-04-16. Review status: criteria provided, single submitter. Criteria: ACMG Guidelines, 2015. Collection method: clinical testing. Allele origin: germline.

Broad Center for Mendelian Genomics, Broad Institute of MIT and Harvard
Classification: Uncertain significance for Multiminicore myopathy. Last evaluated: 2023-12-21. Review status: criteria provided, single submitter. Criteria: ACMG Guidelines, 2015. Collection method: curation. Allele origin: germline. Study: GREGoR Consortium.
Comment: An additional variant (c.749-2A>G) in SRPK3 was also detected in heterozygosity with this variant. While TTN is lacking sufficient evidence for a digenic mechanism, we believe this is a possible candidate for multiminicore myopathy. Given the limited information about this mechanism, the significance of the p.Arg34698GlufsTer49 variant is uncertain. If you have any additional information about functional evidence or other individuals with this digenic mechanism, we encourage you to reach out to us.

NC_000002.12:g.178532523del

Genes: TTN (titin; minus strand), TTN-AS1 (TTN antisense RNA 1; plus strand). Cytogenetic location: 2q31.2.
Variant type: Deletion.
Molecular consequence: frameshift variant (on NM_001267550.2).
Genome position: GRCh38 VCF-style: chr2-178532522-CG-C. GRCh37 (hg19) VCF-style: chr2-179397249-CG-C.
Other names: NR_038272.1:n.220-3209del; c.99169del, p.Arg33057fs (NM_001256850.1); c.104092del, p.Arg34698fs (NM_001267550.2); c.76897del, p.Arg25633fs (NM_003319.4); c.96388del, p.Arg32130fs (NM_133378.4); c.77272del, p.Arg25758fs (NM_133432.3); c.77473del, p.Arg25825fs (NM_133437.4); short protein forms R25633fs, R25758fs, R25825fs, R32130fs, R33057fs, R34698fs.
Identifiers: ClinVar variation 2674602 (VCV002674602.2), dbSNP rs1689606484, ClinGen allele CA1039708857.